The following is an entry in ClinVar:

ClinVar aggregate classification (germline): Uncertain significance (1 of 4 stars; one submission).

Conditions:
Fucosidosis. Also called: ALPHA-L-FUCOSIDASE DEFICIENCY. Identifiers: Orphanet 349, MedGen C0016788, MONDO:0009254, OMIM 230000.

Allele frequency attached by ClinVar (database versions not stated): ExAC 0.00001; gnomAD exomes 0.00001.
gnomAD v4.1: 7 of 1,609,644 alleles (0.00043%); highest among the groups gnomAD compares: Non-Finnish European, 0.0006%; no homozygotes.

Submission:

Labcorp Genetics (formerly Invitae), Labcorp
Classification: Uncertain significance for Fucosidosis. Last evaluated: 2021-02-17. Review status: criteria provided, single submitter. Criteria: Invitae Variant Classification Sherloc (09022015). Collection method: clinical testing. Allele origin: germline.
Comment: In summary, the available evidence is currently insufficient to determine the role of this variant in disease. Therefore, it has been classified as a Variant of Uncertain Significance. Algorithms developed to predict the effect of missense changes on protein structure and function (SIFT, PolyPhen-2, Align-GVGD) all suggest that this variant is likely to be disruptive, but these predictions have not been confirmed by published functional studies and their clinical significance is uncertain. This variant has not been reported in the literature in individuals with FUCA1-related conditions. This variant is present in population databases (rs770733586, ExAC 0.001%). This sequence change replaces leucine with arginine at codon 226 of the FUCA1 protein (p.Leu226Arg). The leucine residue is highly conserved and there is a moderate physicochemical difference between leucine and arginine.

NM_000147.5(FUCA1):c.677T>G (p.Leu226Arg)

Gene: FUCA1 (alpha-L-fucosidase 1; minus strand). Cytogenetic location: 1p36.11.
Variant type: single nucleotide variant.
Coding change: c.677T>G on transcript NM_000147.5 (MANE Select); coding-DNA position 677, T replaced by G.
Protein change: p.Leu226Arg; replaces leucine 226 with arginine.
Molecular consequence: missense variant.
Genome position (GRCh38, 1-based): chr1:23,859,889, A>C on the plus strand (T>G on the coding strand, the complement: FUCA1 is on the minus strand). VCF-style: chr1-23859889-A-C. GRCh37 (hg19) VCF-style: chr1-24186379-A-C.
Other names: short protein forms L226R.
Identifiers: ClinVar variation 1388714 (VCV001388714.7), dbSNP rs770733586, ClinGen allele CA686474.